The following is an entry in ClinVar:

NM_001985.3(ETFB):c.521G>A (p.Arg174His)

Gene: ETFB (electron transfer flavoprotein subunit beta; minus strand). Cytogenetic location: 19q13.41.
Variant type: single nucleotide variant.
Coding change: c.521G>A on transcript NM_001985.3 (MANE Select); coding-DNA position 521, G replaced by A.
Protein change: p.Arg174His; replaces arginine 174 with histidine.
Molecular consequence: missense variant.
Genome position (GRCh38, 1-based): chr19:51,346,976, C>T on the plus strand (G>A on the coding strand, the complement: ETFB is on the minus strand). VCF-style: chr19-51346976-C-T. GRCh37 (hg19) VCF-style: chr19-51850230-C-T.
Other names: p.R174H:CGC>CAC; c.794G>A, p.Arg265His (NM_001014763.1); short protein forms R174H, R265H.
Identifiers: ClinVar variation 203699 (VCV000203699.56), dbSNP rs141917423, ClinGen allele CA312498.

ClinVar aggregate classification (germline): Likely benign. Review status: criteria provided, multiple submitters, no conflicts (2 of 4 stars). 5 submissions from 5 submitters: Likely benign (4). 1 of the submissions does not count toward it. Last evaluated 2025-12-15.

Conditions:
ETFB-related disorder. Also called: ETFB-related condition.
Multiple acyl-CoA dehydrogenase deficiency (MADD). Also called: Glutaric acidemia type II; GA 2; Glutaric aciduria, type 2; ETHYLMALONIC-ADIPICACIDURIA; GA II; Glutaric Acidemia type 2. Identifiers: Orphanet 26791, MedGen C0268596, MONDO:0009282, OMIM 231680.

Allele frequency attached by ClinVar (database versions not stated): gnomAD exomes 0.00014 and 0.00037; ExAC 0.00069; ESP Exome Variant Server 0.00123; gnomAD 0.00125 and 0.00130; TOPMed 0.00130; 1000 Genomes Project 30x 0.00250; 1000 Genomes Project 0.00280.
gnomAD v4.1: 398 of 1,608,744 alleles (0.025%); highest among the groups gnomAD compares: African/African-American, 0.5%; 1 homozygote.

Submissions (5):

Labcorp Genetics (formerly Invitae), Labcorp
Classification: Likely benign for Multiple acyl-CoA dehydrogenase deficiency. Last evaluated: 2025-12-15. Review status: criteria provided, single submitter. Criteria: Invitae Variant Classification Sherloc (09022015). Collection method: clinical testing. Allele origin: germline.

Blueprint Genetics
Classification: Likely benign. Last evaluated: 2024-09-02. Review status: criteria provided, single submitter. Criteria: ACMG Guidelines, 2015. Collection method: clinical testing. Allele origin: germline.

GeneDx
Classification: Likely benign. Last evaluated: 2019-08-07. Review status: criteria provided, single submitter. Criteria: GeneDx Variant Classification Process June 2021. Collection method: clinical testing. Allele origin: germline. Affected: yes.

Center for Pediatric Genomic Medicine, Children's Mercy Hospital and Clinics
Classification: Likely benign. Last evaluated: 2016-01-11. Review status: criteria provided, single submitter. Criteria: ACMG Guidelines, 2015. Collection method: clinical testing. Allele origin: germline.
ClinVar note: Converted during submission from Likely Benign to Likely benign.

PreventionGenetics, part of Exact Sciences
Classification: Likely benign for ETFB-related condition. Last evaluated: 2022-02-28. Review status: no assertion criteria provided. Collection method: clinical testing. Allele origin: germline. Not counted in ClinVar's aggregate classification.
Comment: This variant is classified as likely benign based on ACMG/AMP sequence variant interpretation guidelines (Richards et al. 2015 PMID: 25741868, with internal and published modifications).